The following is an entry in ClinVar:

NM_001617.4(ADD2):c.183+1G>A

Gene: ADD2 (adducin 2; minus strand). Cytogenetic location: 2p13.3.
Variant type: single nucleotide variant.
Coding change: c.183+1G>A on transcript NM_001617.4 (MANE Select); the canonical splice donor site of the intron after coding-DNA position 183, G replaced by A.
Molecular consequence: splice donor variant.
Genome position (GRCh38, 1-based): chr2:70,706,225, C>T on the plus strand (G>A on the coding strand, the complement: ADD2 is on the minus strand). VCF-style: chr2-70706225-C-T. GRCh37 (hg19) VCF-style: chr2-70933357-C-T.
Other names: c.183+1G>A (NM_017488.4, NM_001185054.2, NM_017482.4); c.231+1G>A (NM_001185055.2).
Identifiers: ClinVar variation 4997695 (VCV004997695.1).
Genomic context (GRCh38, chr2:70,706,225, plus strand): 5'-TACACGTCCTGAAGAGCCAGCGCCCCCTGCGCCCTCTCCCGCCCGGGTCAGCCCCACTCA[C>T]GGGACTCTGCAGGATCATGGTGACGCGCTTCTTCTGCTCCATCAGGTTGAAGTCCTGCCG-3'

ClinVar aggregate classification (germline): Uncertain significance (1 of 4 stars; one submission).

Conditions:
ADD2-related condition.

Submission:

PreventionGenetics, part of Exact Sciences
Classification: Uncertain significance for ADD2-related condition. Last evaluated: 2024-12-18. Review status: criteria provided, single submitter. Criteria: ACMG Guidelines, 2015. Collection method: clinical testing. Allele origin: germline.
Comment: The ADD2 c.183+1G>A variant is predicted to disrupt the GT donor site and interfere with normal splicing. To our knowledge, this variant has not been reported in the literature or in a large population database (gnomAD), indicating this variant is rare. At this time, the clinical significance of this variant is uncertain due to the absence of conclusive functional and genetic evidence.